The following is an entry in ClinVar:

NM_001283009.2(RTEL1):c.1429C>T (p.Leu477Phe)

Genes: RTEL1 (regulator of telomere elongation helicase 1; plus strand), RTEL1-TNFRSF6B (RTEL1-TNFRSF6B readthrough (NMD candidate); plus strand). Cytogenetic location: 20q13.33.
Variant type: single nucleotide variant.
Coding change: c.1429C>T on transcript NM_001283009.2 (MANE Select); coding-DNA position 1429, C replaced by T.
Protein change: p.Leu477Phe; replaces leucine 477 with phenylalanine.
Molecular consequence: missense variant. On other transcripts: non-coding transcript variant (1).
Genome position (GRCh38, 1-based): chr20:63,687,718, C>T. VCF-style: chr20-63687718-C-T. GRCh37 (hg19) VCF-style: chr20-62319071-C-T.
Other names: c.760C>T, p.Leu254Phe (NM_001283010.1); c.1429C>T, p.Leu477Phe (NM_016434.4); c.1501C>T, p.Leu501Phe (NM_032957.5); short protein forms L477F, L501F, L254F.
Identifiers: ClinVar variation 4825682 (VCV004825682.1).

ClinVar aggregate classification (germline): Uncertain significance (1 of 4 stars; one submission).

Conditions:
Inborn genetic diseases. Identifiers: MedGen C0950123, MeSH D030342.

Submission:

Ambry Genetics
Classification: Uncertain significance for Inborn genetic diseases. Last evaluated: 2026-02-17. Review status: criteria provided, single submitter. Criteria: Ambry Variant Classification Scheme 2023. Collection method: clinical testing. Allele origin: germline.
Comment: The p.L477F variant (also known as c.1429C>T), located in coding exon 16 of the RTEL1 gene, results from a C to T substitution at nucleotide position 1429. The leucine at codon 477 is replaced by phenylalanine, an amino acid with highly similar properties. This amino acid position is conserved. In addition, this alteration is predicted to be deleterious by in silico analysis. Based on the available evidence, the clinical significance of this variant remains unclear.